The following is an entry in ClinVar:

NM_001267550.2(TTN):c.40618_40626del (p.Val13540_Lys13542del)

Gene: TTN (titin; minus strand). Cytogenetic location: 2q31.2.
Variant type: Deletion.
Coding change: c.40618_40626del on transcript NM_001267550.2 (MANE Select); coding-DNA positions 40618 to 40626, 9 bases deleted (GTTAAAAAA; older notation c.40618_40626delGTTAAAAAA).
Protein change: p.Val13540_Lys13542del.
Molecular consequence: inframe deletion.
Genome position (GRCh38, 1-based): chr2:178,641,248-178,641,256, TTTTTTAAC deleted on the plus strand (GTTAAAAAA on the coding strand, the reverse complement: TTN is on the minus strand); deleting any 9 consecutive bases within chr2:178,641,248-178,641,261 gives the same sequence; the c. name uses the placement nearest the transcript's 3' end. VCF-style (leftmost placement, unchanged base first): chr2-178641247-GTTTTTTAAC-G. GRCh37 (hg19) VCF-style: chr2-179505974-GTTTTTTAAC-G.
Other names: c.40618_40626del9 (NM_001267550.2); c.35695_35703del, p.Val11899_Lys11901del (NM_001256850.1); c.13423_13431del, p.Val4475_Lys4477del (NM_003319.4); c.32914_32922del, p.Val10972_Lys10974del (NM_133378.4); c.13798_13806del, p.Val4600_Lys4602del (NM_133432.3); c.13999_14007del, p.Val4667_Lys4669del (NM_133437.4); c.13423_13431delGTTAAAAAA (NM_003319.4).
Identifiers: ClinVar variation 4866210 (VCV004866210.2).

ClinVar aggregate classification (germline): Uncertain significance. Review status: criteria provided, multiple submitters, no conflicts (2 of 4 stars). 2 submissions from 2 submitters: Uncertain significance (2). Last evaluated 2026-05-05.

Conditions:
TTN-related disorder. Also called: TTN-related condition; TTN-related disease; TTN-related disorders.
Cardiovascular phenotype. Identifiers: MedGen CN230736.

Submissions (2):

Ambry Genetics
Classification: Uncertain significance for Cardiovascular phenotype. Last evaluated: 2026-05-05. Review status: criteria provided, single submitter. Criteria: Ambry Variant Classification Scheme 2023. Collection method: clinical testing. Allele origin: germline.
Comment: The c.13423_13431delGTTAAAAAA variant (also known as p.V4475_K4477del) is located in coding exon 47 of the TTN gene. This variant results from an in-frame GTTAAAAAA deletion at nucleotide positions 13423 to 13431. This results in the in-frame deletion of the amino acids (VKK) at codon 4475 to 4477. This exon is located in the I-band region of the N2-B isoform of the titin protein and is constitutively expressed in TTN transcripts (percent spliced in or PSI 100%). This amino acid positions are not well conserved in available vertebrate species. In addition, this variant is predicted to be deleterious by in silico analysis (Choi Y et al. PLoS ONE. 2012; 7(10):e46688). Based on the available evidence, the clinical significance of this variant remains unclear.

PreventionGenetics, part of Exact Sciences
Classification: Uncertain significance for TTN-related condition. Last evaluated: 2025-12-03. Review status: criteria provided, single submitter. Criteria: ACMG Guidelines, 2015. Collection method: clinical testing. Allele origin: germline.
Comment: The TTN c.40618_40626del9 variant is predicted to result in an in-frame deletion (p.Val13540_Lys13542del). To our knowledge, this variant has not been reported in the literature or in a large population database (gnomAD), indicating this variant is rare. At this time, the clinical significance of this variant is uncertain due to the absence of conclusive functional and genetic evidence.